The following is an entry in ClinVar:

NM_020987.5(ANK3):c.11760G>T (p.Arg3920Ser)

Gene: ANK3 (ankyrin 3; minus strand). Cytogenetic location: 10q21.2.
Variant type: single nucleotide variant.
Coding change: c.11760G>T on transcript NM_020987.5 (MANE Select); coding-DNA position 11760, G replaced by T.
Protein change: p.Arg3920Ser; replaces arginine 3920 with serine.
Molecular consequence: missense variant. On other transcripts: intron variant (4).
Genome position (GRCh38, 1-based): chr10:60,069,121, C>A on the plus strand (G>T on the coding strand, the complement: ANK3 is on the minus strand). VCF-style: chr10-60069121-C-A. GRCh37 (hg19) VCF-style: chr10-61828879-C-A.
Other names: c.4388-1112G>T (NM_001204403.2); c.4409-1112G>T (NM_001204404.2); c.4406-1112G>T (NM_001320874.2); c.1808-1112G>T (NM_001149.4); short protein forms R3920S.
Identifiers: ClinVar variation 4980184 (VCV004980184.1).

ClinVar aggregate classification (germline): Uncertain significance (1 of 4 stars; one submission).

Conditions:
ANK3-related disorder. Also called: ANK3-related condition.

gnomAD v4.1: 168 of 1,613,956 alleles (0.01%); highest among the groups gnomAD compares: Non-Finnish European, 0.014%; no homozygotes.

Submission:

PreventionGenetics, part of Exact Sciences
Classification: Uncertain significance for ANK3-related condition. Last evaluated: 2024-12-26. Review status: criteria provided, single submitter. Criteria: ACMG Guidelines, 2015. Collection method: clinical testing. Allele origin: germline.
Comment: The ANK3 c.11760G>T variant is predicted to result in the amino acid substitution p.Arg3920Ser. To our knowledge, this variant has not been reported in the literature. This variant is reported in 0.0044% of alleles in individuals of European (Non-Finnish) descent in gnomAD. At this time, the clinical significance of this variant is uncertain due to the absence of conclusive functional and genetic evidence.